The following is an entry in ClinVar:

NM_183357.3(ADCY5):c.1406+69_1406+70insCTTT

Gene: ADCY5 (adenylate cyclase 5; minus strand). Cytogenetic location: 3q21.1.
Variant type: Insertion.
Coding change: c.1406+69_1406+70insCTTT on transcript NM_183357.3 (MANE Select); bases 69 to 70 of the intron after coding-DNA position 1406, CTTT inserted.
Molecular consequence: intron variant.
Genome position: GRCh38 VCF-style: chr3-123347712-G-GAAGA. GRCh37 (hg19) VCF-style: chr3-123066559-G-GAAGA.
Other names: c.1406+69_1406+70insCTTT (NM_001378259.1); c.356+69_356+70insCTTT (NM_001199642.1).
Identifiers: ClinVar variation 3256835 (VCV003256835.2).

ClinVar aggregate classification (germline): Benign (1 of 4 stars; one submission).

Submission:

Unidad de Genómica Garrahan, Hospital de Pediatría Garrahan
Classification: Benign. Last evaluated: 2024-07-31. Review status: criteria provided, single submitter. Criteria: ACMG Guidelines, 2015. Collection method: clinical testing. Allele origin: germline. Affected: no. Observed: 19 variant alleles.
Comment: This variant is classified as Benign based on local population frequency. This variant was detected in 20% of patients studied in a panel designed for Epileptic and Developmental Encephalopathy, Progressive Myoclonus Epilepsy and Abnormal Movements and Neurodegeneration with brain iron accumulation. Number of patients: 19. Only high quality variants are reported.